The following is an entry in ClinVar:

ClinVar aggregate classification (germline): Benign/Likely benign. Review status: criteria provided, multiple submitters, no conflicts (2 of 4 stars). 3 submissions from 3 submitters: Benign (1); Likely benign (2). Last evaluated 2025-10-25.

Conditions:
Lung cancer. Also called: Malignant tumor of lung; Lung cancer, somatic. Identifiers: MedGen C0242379, MONDO:0008903, OMIM 211980.
EGFR-related lung cancer (EGFR). Identifiers: MedGen CN130014.
Hereditary cancer-predisposing syndrome. Also called: Hereditary neoplastic syndrome; Hereditary Cancer Syndrome; Tumor predisposition; Neoplastic Syndromes, Hereditary. Identifiers: Orphanet 140162, MedGen C0027672, MeSH D009386, MONDO:0015356.

Allele frequency attached by ClinVar (database versions not stated): gnomAD exomes below 0.00001 and 0.00001.
gnomAD v4.1: 3 of 1,614,148 alleles (0.00019%); highest among the groups gnomAD compares: Admixed American, 0.005%; no homozygotes.

Submissions (3):

Ambry Genetics
Classification: Likely benign for Hereditary cancer-predisposing syndrome. Last evaluated: 2025-10-25. Review status: criteria provided, single submitter. Criteria: Ambry Variant Classification Scheme 2023. Collection method: clinical testing. Allele origin: germline.

Labcorp Genetics (formerly Invitae), Labcorp
Classification: Likely benign for EGFR-related lung cancer. Last evaluated: 2025-09-10. Review status: criteria provided, single submitter. Criteria: Invitae Variant Classification Sherloc (09022015). Collection method: clinical testing. Allele origin: germline.

Myriad Genetics, Inc.
Classification: Benign for Lung cancer. Last evaluated: 2024-10-16. Review status: criteria provided, single submitter. Criteria: Myriad Autosomal Dominant, Autosomal Recessive and X-Linked Classification Criteria (2023). Collection method: clinical testing. Allele origin: unknown.
Comment: This variant is considered benign. This variant is a silent/synonymous amino acid change and it is not expected to impact splicing.

NM_005228.5(EGFR):c.2079A>C (p.Thr693=)

Gene: EGFR (epidermal growth factor receptor; plus strand). Cytogenetic location: 7p11.2.
Variant type: single nucleotide variant.
Coding change: c.2079A>C on transcript NM_005228.5 (MANE Select); coding-DNA position 2079, A replaced by C.
Protein change: p.Thr693=; no amino-acid change (threonine 693 retained).
Molecular consequence: synonymous variant.
Genome position (GRCh38, 1-based): chr7:55,173,938, A>C. VCF-style: chr7-55173938-A-C. GRCh37 (hg19) VCF-style: chr7-55241631-A-C.
Other names: c.2079A>C (NM_005228.3); c.1944A>C, p.Thr648= (NM_001346897.2, NM_001346899.2); c.2079A>C, p.Thr693= (NM_001346898.2); c.1920A>C, p.Thr640= (NM_001346900.2); c.1278A>C, p.Thr426= (NM_001346941.2).
Identifiers: ClinVar variation 1130006 (VCV001130006.11), dbSNP rs1354541861, ClinGen allele CA454979121.
Genomic context (GRCh38, chr7:55,173,938, plus strand): 5'-AGGGCTGAGGTGACCCTTGTCTCTGTGTTCTTGTCCCCCCCAGCTTGTGGAGCCTCTTAC[A>C]CCCAGTGGAGAAGCTCCCAACCAAGCTCTCTTGAGGATCTTGAAGGAAACTGAATTCAAA-3'
Protein context (NP_005219.2, residues 683-703): LQERELVEPL[Thr693=]PSGEAPNQAL